The following is an entry in ClinVar:

ClinVar aggregate classification (germline): Uncertain significance (1 of 4 stars; one submission).

gnomAD v4.1: 30 of 1,565,832 alleles (0.0019%); highest among the groups gnomAD compares: Admixed American, 0.035%; no homozygotes.

Submission:

Ambry Genetics
Classification: Uncertain significance. Last evaluated: 2026-04-28. Review status: criteria provided, single submitter. Criteria: Ambry Variant Classification Scheme 2023. Collection method: clinical testing. Allele origin: germline.
Comment: The c.443C>T (p.T148M) alteration is located in exon 2 (coding exon 1) of the CDC42EP1 gene. This alteration results from a C to T substitution at nucleotide position 443, causing the threonine (T) at amino acid position 148 to be replaced by a methionine (M). Based on data from gnomAD, the T allele has an overall frequency of 0.008% (16/203230) total alleles studied. The highest observed frequency was 0.053% (14/26222) of Latino alleles. Based on insufficient or conflicting evidence, the clinical significance of this alteration remains unclear.

NM_152243.3(CDC42EP1):c.443C>T (p.Thr148Met)

Gene: CDC42EP1 (CDC42 effector protein 1; plus strand). Cytogenetic location: 22q13.1.
Variant type: single nucleotide variant.
Coding change: c.443C>T on transcript NM_152243.3 (MANE Select); coding-DNA position 443, C replaced by T.
Protein change: p.Thr148Met; replaces threonine 148 with methionine.
Molecular consequence: missense variant.
Genome position (GRCh38, 1-based): chr22:37,566,792, C>T. VCF-style: chr22-37566792-C-T. GRCh37 (hg19) VCF-style: chr22-37962799-C-T.
Other names: short protein forms T148M.
Identifiers: ClinVar variation 4868341 (VCV004868341.1).
Genomic context (GRCh38, chr22:37,566,792, plus strand): 5'-CCGCCTACGACAGCCTCGTGGTTGGCAAGCTCAGCTTCGACAGCAGCCCCACCAGCTCCA[C>T]GGACGGCCACTCCAGCTACGGTGAGGGCCTGGGCCATCTTGGCCCACTTTTCAGAGGCTG-3'
Protein context (NP_689449.1, residues 138-158): LSFDSSPTSS[Thr148Met]DGHSSYGLDS